The following is an entry in ClinVar:

NM_001098426.2(SMARCD2):c.398G>A (p.Arg133Gln)

Gene: SMARCD2 (SWI/SNF related BAF chromatin remodeling complex subunit D2; minus strand). Cytogenetic location: 17q23.3.
Variant type: single nucleotide variant.
Coding change: c.398G>A on transcript NM_001098426.2 (MANE Select); coding-DNA position 398, G replaced by A.
Protein change: p.Arg133Gln; replaces arginine 133 with glutamine.
Molecular consequence: missense variant.
Genome position (GRCh38, 1-based): chr17:63,837,444, C>T on the plus strand (G>A on the coding strand, the complement: SMARCD2 is on the minus strand). VCF-style: chr17-63837444-C-T. GRCh37 (hg19) VCF-style: chr17-61914804-C-T.
Other names: c.173G>A, p.Arg58Gln (NM_001330439.1); c.254G>A, p.Arg85Gln (NM_001330440.2); short protein forms R133Q, R85Q, R58Q.
Identifiers: ClinVar variation 1387509 (VCV001387509.3), dbSNP rs1411242310, ClinGen allele CA400601452.

ClinVar aggregate classification (germline): Uncertain significance (1 of 4 stars; one submission).

Allele frequency attached by ClinVar (database versions not stated): gnomAD exomes 0.00001; TOPMed 0.00001.
gnomAD v4.1: 7 of 1,571,606 alleles (0.00045%); highest among the groups gnomAD compares: South Asian, 0.0024%; no homozygotes.

Submission:

Labcorp Genetics (formerly Invitae), Labcorp
Classification: Uncertain significance. Last evaluated: 2021-10-22. Review status: criteria provided, single submitter. Criteria: Invitae Variant Classification Sherloc (09022015). Collection method: clinical testing. Allele origin: germline.
Comment: This sequence change replaces arginine with glutamine at codon 133 of the SMARCD2 protein (p.Arg133Gln). The arginine residue is highly conserved and there is a small physicochemical difference between arginine and glutamine. This variant is not present in population databases (ExAC no frequency). This variant has not been reported in the literature in individuals affected with SMARCD2-related conditions. Algorithms developed to predict the effect of missense changes on protein structure and function are either unavailable or do not agree on the potential impact of this missense change (SIFT: "Deleterious"; PolyPhen-2: "Possibly Damaging"; Align-GVGD: "Class C0"). In summary, the available evidence is currently insufficient to determine the role of this variant in disease. Therefore, it has been classified as a Variant of Uncertain Significance.